The following is an entry in ClinVar:

NM_001005361.3(DNM2):c.2060C>T (p.Thr687Met)

Gene: DNM2 (dynamin 2; plus strand). Cytogenetic location: 19p13.2.
Variant type: single nucleotide variant.
Coding change: c.2060C>T on transcript NM_001005361.3 (MANE Select); coding-DNA position 2060, C replaced by T.
Protein change: p.Thr687Met; replaces threonine 687 with methionine.
Molecular consequence: missense variant.
Genome position (GRCh38, 1-based): chr19:10,829,037, C>T. VCF-style: chr19-10829037-C-T. GRCh37 (hg19) VCF-style: chr19-10939713-C-T.
Other names: c.2060C>T, p.Thr687Met (NM_001005360.3, NM_001190716.2); c.2048C>T, p.Thr683Met (NM_001005362.3, NM_004945.4); short protein forms T683M, T687M.
Identifiers: ClinVar variation 2961875 (VCV002961875.3), dbSNP rs2073245688, ClinGen allele CA404042087.

ClinVar aggregate classification (germline): Uncertain significance (1 of 4 stars; one submission).

Conditions:
Charcot-Marie-Tooth disease dominant intermediate B (CMTDIB). Also called: CHARCOT-MARIE-TOOTH NEUROPATHY, DOMINANT INTERMEDIATE B; Charcot-Marie-Tooth disease dominant intermediate 1; CMT DI1; Charcot-Marie-Tooth disease dominant intermediate I. Identifiers: Orphanet 100044, Orphanet 228179, MedGen C1847902, MONDO:0011674, OMIM 606482.

Allele frequency attached by ClinVar (database versions not stated): gnomAD exomes below 0.00001; gnomAD 0.00001.
gnomAD v4.1: 4 of 1,612,538 alleles (0.00025%); highest among the groups gnomAD compares: Middle Eastern, 0.016%; no homozygotes.

Submission:

Labcorp Genetics (formerly Invitae), Labcorp
Classification: Uncertain significance for Charcot-Marie-Tooth disease dominant intermediate B. Last evaluated: 2023-11-29. Review status: criteria provided, single submitter. Criteria: Invitae Variant Classification Sherloc (09022015). Collection method: clinical testing. Allele origin: germline.
Comment: This sequence change replaces threonine, which is neutral and polar, with methionine, which is neutral and non-polar, at codon 687 of the DNM2 protein (p.Thr687Met). This variant is not present in population databases (gnomAD no frequency). This variant has not been reported in the literature in individuals affected with DNM2-related conditions. An algorithm developed to predict the effect of missense changes on protein structure and function (PolyPhen-2) suggests that this variant is likely to be disruptive. In summary, the available evidence is currently insufficient to determine the role of this variant in disease. Therefore, it has been classified as a Variant of Uncertain Significance.